The following is an entry in ClinVar:

ClinVar aggregate classification (germline): Uncertain significance (1 of 4 stars; one submission).

gnomAD v4.1: 3 of 1,613,866 alleles (0.00019%); highest among the groups gnomAD compares: African/African-American, 0.0027%; no homozygotes.

Submission:

GeneDx
Classification: Uncertain significance. Last evaluated: 2023-06-12. Review status: criteria provided, single submitter. Criteria: GeneDx Variant Classification Process June 2021. Collection method: clinical testing. Allele origin: germline. Affected: yes.
Comment: In silico analysis supports that this missense variant has a deleterious effect on protein structure/function; Has not been previously published as pathogenic or benign to our knowledge

NM_006514.4(SCN10A):c.200A>G (p.Tyr67Cys)

Gene: SCN10A (sodium voltage-gated channel alpha subunit 10; minus strand). Cytogenetic location: 3p22.2.
Variant type: single nucleotide variant.
Coding change: c.200A>G on transcript NM_006514.4 (MANE Select); coding-DNA position 200, A replaced by G.
Protein change: p.Tyr67Cys; replaces tyrosine 67 with cysteine.
Molecular consequence: missense variant.
Genome position (GRCh38, 1-based): chr3:38,793,811, T>C on the plus strand (A>G on the coding strand, the complement: SCN10A is on the minus strand). VCF-style: chr3-38793811-T-C. GRCh37 (hg19) VCF-style: chr3-38835302-T-C.
Other names: c.200A>G, p.Tyr67Cys (NM_001293306.2, NM_001293307.2); short protein forms Y67C.
Identifiers: ClinVar variation 3359276 (VCV003359276.1).